The following is an entry in ClinVar:

ClinVar aggregate classification (germline): Likely benign (1 of 4 stars; one submission).

Conditions:
FHOD3-related disorder. Also called: FHOD3-related condition.

gnomAD v4.1: 13 of 1,614,146 alleles (0.00081%); highest among the groups gnomAD compares: African/African-American, 0.017%; no homozygotes.

Submission:

PreventionGenetics, part of Exact Sciences
Classification: Likely benign for FHOD3-related condition. Last evaluated: 2026-06-06. Review status: criteria provided, single submitter. Criteria: ACMG Guidelines, 2015. Collection method: clinical testing. Allele origin: germline.
Comment: This variant is classified as likely benign based on ACMG/AMP sequence variant interpretation guidelines (Richards et al. 2015 PMID: 25741868, with internal and published modifications).

NM_001281740.3(FHOD3):c.204C>T (p.Ala68=)

Gene: FHOD3 (formin homology 2 domain containing 3; plus strand). Cytogenetic location: 18q12.2.
Variant type: single nucleotide variant.
Coding change: c.204C>T on transcript NM_001281740.3 (MANE Select); coding-DNA position 204, C replaced by T.
Protein change: p.Ala68=; no amino-acid change (alanine 68 retained).
Molecular consequence: synonymous variant.
Genome position (GRCh38, 1-based): chr18:36,355,577, C>T. VCF-style: chr18-36355577-C-T. GRCh37 (hg19) VCF-style: chr18-33935540-C-T.
Other names: c.204C>T, p.Ala68= (NM_001281739.3, NM_025135.5).
Identifiers: ClinVar variation 4981520 (VCV004981520.1).